The following is an entry in ClinVar:

NM_152564.5(VPS13B):c.6882T>G (p.Pro2294=)

Gene: VPS13B (vacuolar protein sorting 13 homolog B; plus strand). Cytogenetic location: 8q22.2.
Variant type: single nucleotide variant.
Coding change: c.6882T>G on transcript NM_152564.5 (MANE Select); coding-DNA position 6882, T replaced by G.
Protein change: p.Pro2294=; no amino-acid change (proline 2294 retained).
Molecular consequence: synonymous variant.
Genome position (GRCh38, 1-based): chr8:99,720,879, T>G. VCF-style: chr8-99720879-T-G. GRCh37 (hg19) VCF-style: chr8-100733107-T-G.
Other names: c.6957T>G, p.Pro2319= (NM_017890.5).
Identifiers: ClinVar variation 3354414 (VCV003354414.1).
Genomic context (GRCh38, chr8:99,720,879, plus strand): 5'-GTTCCCCTTTAAATCATACAATTAATTATACTTTTATTTGACAGAATCTTTGAAATTGCC[T>G]GGGGTCTATGAAGTCTTATTTTATAATGAAACTGAAGATTGCCCAGGGATGATGTTATGG-3'
Protein context (NP_689777.3, residues 2284-2304): YVQDAESLKL[Pro2294=]GVYEVLFYNE

ClinVar aggregate classification (germline): Likely benign (0 of 4 stars; one submission).

Conditions:
VPS13B-related disorder. Also called: VPS13B-related condition.

Submission:

PreventionGenetics, part of Exact Sciences
Classification: Likely benign for VPS13B-related condition. Last evaluated: 2022-08-24. Review status: no assertion criteria provided. Collection method: clinical testing. Allele origin: germline.
Comment: This variant is classified as likely benign based on ACMG/AMP sequence variant interpretation guidelines (Richards et al. 2015 PMID: 25741868, with internal and published modifications).